The following is an entry in ClinVar:

ClinVar aggregate classification (germline): Uncertain significance. Review status: criteria provided, multiple submitters, no conflicts (2 of 4 stars). 2 submissions from 2 submitters: Uncertain significance (2). Last evaluated 2026-01-02.

Conditions:
Finnish congenital nephrotic syndrome (NPHS1). Also called: NEPHROTIC SYNDROME, TYPE 1. Identifiers: Orphanet 839, MedGen C0403399, MONDO:0009732, OMIM 256300.

Allele frequency attached by ClinVar (database versions not stated): TOPMed 0.00006; ExAC 0.00003; gnomAD 0.00005; ESP Exome Variant Server 0.00015.
gnomAD v4.1: 150 of 1,614,024 alleles (0.0093%); highest among the groups gnomAD compares: Non-Finnish European, 0.012%; no homozygotes.

Submissions (2):

GeneDx
Classification: Uncertain significance. Last evaluated: 2026-01-02. Review status: criteria provided, single submitter. Criteria: GeneDx Variant Classification Process June 2021. Collection method: clinical testing. Allele origin: germline.
Comment: Not observed at significant frequency in large population cohorts (gnomAD); In silico analysis suggests that this missense variant does not alter protein structure/function; Has not been previously published as pathogenic or benign to our knowledge

Department of Pathology and Laboratory Medicine, Sinai Health System
Classification: Uncertain significance for Finnish congenital nephrotic syndrome. Last evaluated: 2023-09-01. Review status: criteria provided, single submitter. Criteria: ACMG Guidelines, 2015. Collection method: research. Allele origin: germline.

NM_004646.4(NPHS1):c.2437G>A (p.Ala813Thr)

Gene: NPHS1 (NPHS1 adhesion molecule, nephrin; minus strand). Cytogenetic location: 19q13.12.
Variant type: single nucleotide variant.
Coding change: c.2437G>A on transcript NM_004646.4 (MANE Select); coding-DNA position 2437, G replaced by A.
Protein change: p.Ala813Thr; replaces alanine 813 with threonine.
Molecular consequence: missense variant.
Genome position (GRCh38, 1-based): chr19:35,842,448, C>T on the plus strand (G>A on the coding strand, the complement: NPHS1 is on the minus strand). VCF-style: chr19-35842448-C-T. GRCh37 (hg19) VCF-style: chr19-36333350-C-T.
Other names: short protein forms A813T.
Identifiers: ClinVar variation 1703464 (VCV001703464.4), dbSNP rs374846352, ClinGen allele CA9390134.